The following is an entry in ClinVar:

ClinVar aggregate classification (germline): Likely benign. Review status: criteria provided, multiple submitters, no conflicts (2 of 4 stars). 4 submissions from 4 submitters: Likely benign (3). 1 of the submissions does not count toward it. Last evaluated 2025-09-16.

Conditions:
KATNIP-related disorder. Also called: KATNIP-related condition.

Allele frequency attached by ClinVar (database versions not stated): gnomAD exomes 0.00029; ExAC 0.00042; gnomAD 0.00112 and 0.00122; ESP Exome Variant Server 0.00123; TOPMed 0.00134; 1000 Genomes Project 0.00180; 1000 Genomes Project 30x 0.00219.
gnomAD v4.1: 347 of 1,605,762 alleles (0.022%); highest among the groups gnomAD compares: African/African-American, 0.45%; 2 homozygotes.

Submissions (4):

Labcorp Genetics (formerly Invitae), Labcorp
Classification: Likely benign. Last evaluated: 2025-09-16. Review status: criteria provided, single submitter. Criteria: Invitae Variant Classification Sherloc (09022015). Collection method: clinical testing. Allele origin: germline.

Blueprint Genetics
Classification: Likely benign. Last evaluated: 2024-05-09. Review status: criteria provided, single submitter. Criteria: ACMG Guidelines, 2015. Collection method: clinical testing. Allele origin: germline.

Ambry Genetics
Classification: Likely benign. Last evaluated: 2022-07-08. Review status: criteria provided, single submitter. Criteria: Ambry Variant Classification Scheme 2023. Collection method: clinical testing. Allele origin: germline.

PreventionGenetics, part of Exact Sciences
Classification: Likely benign for KATNIP-related condition. Last evaluated: 2022-12-26. Review status: no assertion criteria provided. Collection method: clinical testing. Allele origin: germline. Not counted in ClinVar's aggregate classification.
Comment: This variant is classified as likely benign based on ACMG/AMP sequence variant interpretation guidelines (Richards et al. 2015 PMID: 25741868, with internal and published modifications).

NM_015202.5(KATNIP):c.3549A>C (p.Glu1183Asp)

Gene: KATNIP (katanin interacting protein; plus strand). Cytogenetic location: 16p12.1.
Variant type: single nucleotide variant.
Coding change: c.3549A>C on transcript NM_015202.5 (MANE Select); coding-DNA position 3549, A replaced by C.
Protein change: p.Glu1183Asp; replaces glutamic acid 1183 with aspartic acid.
Molecular consequence: missense variant.
Genome position (GRCh38, 1-based): chr16:27,751,921, A>C. VCF-style: chr16-27751921-A-C. GRCh37 (hg19) VCF-style: chr16-27763242-A-C.
Other names: c.3549A>C (NM_015202.3); short protein forms E1183D.
Identifiers: ClinVar variation 709920 (VCV000709920.13), dbSNP rs150638573, ClinGen allele CA7978271.